The following is an entry in ClinVar:

ClinVar aggregate classification (germline): Conflicting classifications of pathogenicity. Review status: criteria provided, conflicting classifications (1 of 4 stars). 2 submissions from 2 submitters: Uncertain significance (1); Likely benign (1). Last evaluated 2025-04-01.

Conditions:
Hereditary cancer-predisposing syndrome. Also called: Neoplastic Syndromes, Hereditary; Tumor predisposition; Hereditary Cancer Syndrome; Hereditary neoplastic syndrome. Identifiers: Orphanet 140162, MedGen C0027672, MeSH D009386, MONDO:0015356.
Oligodontia-cancer predisposition syndrome. Also called: TOOTH AGENESIS-COLORECTAL CANCER SYNDROME. Identifiers: Orphanet 300576, MedGen C1837750, MONDO:0012075, OMIM 608615. Disease mechanism: loss of function.

Submissions (2):

Labcorp Genetics (formerly Invitae), Labcorp
Classification: Uncertain significance for Oligodontia-cancer predisposition syndrome. Last evaluated: 2025-04-01. Review status: criteria provided, single submitter. Criteria: Invitae Variant Classification Sherloc (09022015). Collection method: clinical testing. Allele origin: germline.
Comment: This sequence change replaces methionine, which is neutral and non-polar, with isoleucine, which is neutral and non-polar, at codon 189 of the AXIN2 protein (p.Met189Ile). This variant is not present in population databases (gnomAD no frequency). This variant has not been reported in the literature in individuals affected with AXIN2-related conditions. ClinVar contains an entry for this variant (Variation ID: 464630). Invitae Evidence Modeling of protein sequence and biophysical properties (such as structural, functional, and spatial information, amino acid conservation, physicochemical variation, residue mobility, and thermodynamic stability) indicates that this missense variant is expected to disrupt AXIN2 protein function with a positive predictive value of 80%. In summary, the available evidence is currently insufficient to determine the role of this variant in disease. Therefore, it has been classified as a Variant of Uncertain Significance.

Ambry Genetics
Classification: Likely benign for Hereditary cancer-predisposing syndrome. Last evaluated: 2025-03-19. Review status: criteria provided, single submitter. Criteria: Ambry Variant Classification Scheme 2023. Collection method: clinical testing. Allele origin: germline.

NM_004655.4(AXIN2):c.567G>A (p.Met189Ile)

Gene: AXIN2 (axin 2; minus strand). Cytogenetic location: 17q24.1.
Variant type: single nucleotide variant.
Coding change: c.567G>A on transcript NM_004655.4 (MANE Select); coding-DNA position 567, G replaced by A.
Protein change: p.Met189Ile; replaces methionine 189 with isoleucine.
Molecular consequence: missense variant.
Genome position (GRCh38, 1-based): chr17:65,558,054, C>T on the plus strand (G>A on the coding strand, the complement: AXIN2 is on the minus strand). VCF-style: chr17-65558054-C-T. GRCh37 (hg19) VCF-style: chr17-63554172-C-T.
Other names: c.567G>A, p.Met189Ile (NM_001363813.1); c.567G>A (LRG_296t1); short protein forms M189I.
Identifiers: ClinVar variation 464630 (VCV000464630.12), dbSNP rs762082964, ClinGen allele CA400680857.